The following is an entry in ClinVar:

NM_001018005.2(TPM1):c.762T>G (p.Asp254Glu)

Gene: TPM1 (tropomyosin 1; plus strand). Cytogenetic location: 15q22.2.
Variant type: single nucleotide variant.
Coding change: c.762T>G on transcript NM_001018005.2 (MANE Select); coding-DNA position 762, T replaced by G.
Protein change: p.Asp254Glu; replaces aspartic acid 254 with glutamic acid.
Molecular consequence: missense variant.
Genome position (GRCh38, 1-based): chr15:63,062,635, T>G. VCF-style: chr15-63062635-T-G. GRCh37 (hg19) VCF-style: chr15-63354834-T-G.
Other names: c.762T>G, p.Asp254Glu (NM_000366.6, NM_001018004.2, NM_001018006.2 and 6 more transcripts); c.654T>G, p.Asp218Glu (NM_001018008.2, NM_001301289.2, NM_001330344.2 and 5 more transcripts); c.888T>G, p.Asp296Glu (NM_001365778.1); short protein forms D254E, D296E, D218E.
Identifiers: ClinVar variation 177845 (VCV000177845.15), dbSNP rs727504354, ClinGen allele CA018325.

ClinVar aggregate classification (germline): Uncertain significance. Review status: criteria provided, multiple submitters, no conflicts (2 of 4 stars). 3 submissions from 3 submitters: Uncertain significance (3). Last evaluated 2025-10-26.

Conditions:
Hypertrophic cardiomyopathy. Also called: HYPERTROPHIC MYOCARDIOPATHY. Identifiers: Orphanet 217569, MedGen C0007194, MeSH D002312, MONDO:0005045, HP:0001639.

Allele frequency attached by ClinVar (database versions not stated): TOPMed below 0.00001.

Submissions (3):

Labcorp Genetics (formerly Invitae), Labcorp
Classification: Uncertain significance for Hypertrophic cardiomyopathy. Last evaluated: 2025-10-26. Review status: criteria provided, single submitter. Criteria: Invitae Variant Classification Sherloc (09022015). Collection method: clinical testing. Allele origin: germline.
Comment: This sequence change replaces aspartic acid, which is acidic and polar, with glutamic acid, which is acidic and polar, at codon 254 of the TPM1 protein (p.Asp254Glu). This variant is not present in population databases (gnomAD no frequency). This missense change has been observed in individual(s) with clinical features of hypertrophic cardiomyopathy (PMID: 27532257, 37652022). ClinVar contains an entry for this variant (Variation ID: 177845). An algorithm developed to predict the effect of missense changes on protein structure and function (PolyPhen-2) suggests that this variant is likely to be disruptive. In summary, the available evidence is currently insufficient to determine the role of this variant in disease. Therefore, it has been classified as a Variant of Uncertain Significance.

GeneDx
Classification: Uncertain significance. Last evaluated: 2025-03-17. Review status: criteria provided, single submitter. Criteria: GeneDx Variant Classification Process June 2021. Collection method: clinical testing. Allele origin: germline. Affected: yes.
Comment: Not observed at significant frequency in large population cohorts (gnomAD); In silico analysis supports that this missense variant has a deleterious effect on protein structure/function; This variant is associated with the following publications: (PMID: 25611685, 37652022, 27532257)

Laboratory for Molecular Medicine, Mass General Brigham Personalized Medicine
Classification: Uncertain significance. Last evaluated: 2020-07-08. Review status: criteria provided, single submitter. Criteria: LMM Criteria. Collection method: clinical testing. Allele origin: germline. Observed: 1 variant allele.
Comment: Variant classified as Uncertain Significance - Favor Benign. The p.Asp254Glu variant in TPM1 is absent from gnomAD with adequate coverage. 2 of 3 computational predictors predict that the variant is damaging. The residue is entirely conserved and no species harbor the variant amino acid. It has been reported as uncertain significance in ClinVar by one submitter.

Literature cited by the submitters: PubMed 27532257 (cited by Labcorp Genetics (formerly Invitae), Labcorp); PubMed 37652022 (cited by Labcorp Genetics (formerly Invitae), Labcorp); PubMed 25611685 (cited by Laboratory for Molecular Medicine, Mass General Brigham Personalized Medicine).